The following is an entry in ClinVar:

ClinVar aggregate classification (germline): Uncertain significance (1 of 4 stars; one submission).

gnomAD v4.1: 6 of 1,612,948 alleles (0.00037%); highest among the groups gnomAD compares: Middle Eastern, 0.083%; no homozygotes.

Submissions (2):

GeneDx
Classification: Uncertain significance. Last evaluated: 2019-10-11. Review status: criteria provided, single submitter. Criteria: GeneDx Variant Classification Process June 2021. Collection method: clinical testing. Allele origin: germline. Affected: yes.
Comment: Not observed at a significant frequency in large population cohorts (Lek et al., 2016); In silico analysis, which includes splice predictors and evolutionary conservation, supports a deleterious effect; Has not been previously published as pathogenic or benign to our knowledge

Dr. Peter K. Rogan Lab, Western University
No classification provided (evidence only). Condition: Ovarian serous cystadenocarcinoma. Review status: no classification provided. Collection method: in vitro. Allele origin: not applicable. Functional consequence: retained intron. Not counted in ClinVar's aggregate classification.

NM_001174089.2(SLC4A11):c.2389-9C>G

Gene: SLC4A11 (solute carrier family 4 member 11; minus strand). Cytogenetic location: 20p13.
Variant type: single nucleotide variant.
Coding change: c.2389-9C>G on transcript NM_001174089.2 (MANE Select); 9 bases into the intron before coding-DNA position 2389, C replaced by G.
Molecular consequence: intron variant.
Genome position (GRCh38, 1-based): chr20:3,228,437, G>C on the plus strand (C>G on the coding strand, the complement: SLC4A11 is on the minus strand). VCF-style: chr20-3228437-G-C. GRCh37 (hg19) VCF-style: chr20-3209083-G-C.
Other names: NC_000020.10:g.3209083G>C; c.2275-9C>G (NM_001363745.2); c.2518-9C>G (NM_001174090.2); c.2437-9C>G (NM_032034.4).
Identifiers: ClinVar variation 1308835 (VCV001308835.3), dbSNP rs41281858, ClinGen allele CA9741470.
Genomic context (GRCh38, chr20:3,228,437, plus strand): 5'-GGATCTTCCTCTGGGGCACCCTCCGGATGTAGTGTGTCGGGGGGTACGCAGTCTGTGGGC[G>C]GCAGGGACCGGGTGTGGGCAGGCATGGGGCTGTGTCCCCACCCACGCCACTCCCTCGCAG-3'